The following is an entry in ClinVar:

ClinVar aggregate classification (germline): Uncertain significance (1 of 4 stars; one submission).

Conditions:
Primary dilated cardiomyopathy (DCM). Also called: Dilated Cardiomyopathy. Identifiers: Orphanet 217604, MedGen C0007193, MeSH D002311, MONDO:0005021, HP:0001644. Inheritance: Various modes of inheritance.

gnomAD v4.1: 1 of 1,613,554 alleles (0.000062%); highest among the groups gnomAD compares: Non-Finnish European, 0.000085%; no homozygotes.

Submission:

Labcorp Genetics (formerly Invitae), Labcorp
Classification: Uncertain significance for Primary dilated cardiomyopathy. Last evaluated: 2022-06-13. Review status: criteria provided, single submitter. Criteria: Invitae Variant Classification Sherloc (09022015). Collection method: clinical testing. Allele origin: germline.
Comment: In summary, the available evidence is currently insufficient to determine the role of this variant in disease. Therefore, it has been classified as a Variant of Uncertain Significance. Algorithms developed to predict the effect of sequence changes on RNA splicing suggest that this variant may create or strengthen a splice site. Algorithms developed to predict the effect of missense changes on protein structure and function (SIFT, PolyPhen-2, Align-GVGD) all suggest that this variant is likely to be disruptive. ClinVar contains an entry for this variant (Variation ID: 856915). This variant has not been reported in the literature in individuals affected with TXNRD2-related conditions. This variant is not present in population databases (gnomAD no frequency). This sequence change replaces tyrosine, which is neutral and polar, with cysteine, which is neutral and slightly polar, at codon 427 of the TXNRD2 protein (p.Tyr427Cys).

NM_006440.5(TXNRD2):c.1280A>G (p.Tyr427Cys)

Gene: TXNRD2 (thioredoxin reductase 2; minus strand). Cytogenetic location: 22q11.21.
Variant type: single nucleotide variant.
Coding change: c.1280A>G on transcript NM_006440.5 (MANE Select); coding-DNA position 1280, A replaced by G.
Protein change: p.Tyr427Cys; replaces tyrosine 427 with cysteine.
Molecular consequence: missense variant. On other transcripts: non-coding transcript variant (1).
Genome position (GRCh38, 1-based): chr22:19,878,433, T>C on the plus strand (A>G on the coding strand, the complement: TXNRD2 is on the minus strand). VCF-style: chr22-19878433-T-C. GRCh37 (hg19) VCF-style: chr22-19865956-T-C.
Other names: c.1277A>G, p.Tyr426Cys (NM_001352300.2); c.1190A>G, p.Tyr397Cys (NM_001352301.2); c.992A>G, p.Tyr331Cys (NM_001352302.2); short protein forms Y426C, Y331C, Y397C, Y427C.
Identifiers: ClinVar variation 856915 (VCV000856915.10), dbSNP rs1938608628, ClinGen allele CA410692357.